The following is an entry in ClinVar:

NM_000053.4(ATP7B):c.2356-1G>C

Gene: ATP7B (ATPase copper transporting beta; minus strand). Cytogenetic location: 13q14.3.
Variant type: single nucleotide variant.
Coding change: c.2356-1G>C on transcript NM_000053.4 (MANE Select); the canonical splice acceptor site of the intron before coding-DNA position 2356, G replaced by C.
Molecular consequence: splice acceptor variant. On other transcripts: intron variant (1).
Genome position (GRCh38, 1-based): chr13:51,957,608, C>G on the plus strand (G>C on the coding strand, the complement: ATP7B is on the minus strand). VCF-style: chr13-51957608-C-G. GRCh37 (hg19) VCF-style: chr13-52531744-C-G.
Other names: c.1870-1G>C (NM_001406541.1, NM_001005918.3, NM_001406546.1 and 1 more transcripts); c.2104-1G>C (NM_001406531.1, NM_001406532.1, NM_001406540.1 and 1 more transcripts); c.2122-1G>C (NM_001406527.1, NM_001406528.1, NM_001406534.1 and 2 more transcripts); c.2212-1G>C (NM_001406537.1, NM_001406521.1, NM_001406522.1 and 1 more transcripts); c.2356-1G>C (NM_001406513.1, NM_001406511.1, NM_001406516.1 and 7 more transcripts); c.2008-1G>C (NM_001406543.1); c.2023-1G>C (NM_001243182.2); c.1286-7447G>C (NM_001406548.1); and 8 more.
Identifiers: ClinVar variation 550995 (VCV000550995.8), dbSNP rs1555290925, ClinGen allele CA388020427.

ClinVar aggregate classification (germline): Likely pathogenic. Review status: criteria provided, single submitter (1 of 4 stars). 2 submissions from 2 submitters: Likely pathogenic (1). 1 of the submissions does not count toward it. Last evaluated 2024-02-29.

Conditions:
Wilson disease (WND). Also called: Wilson's disease. Identifiers: Orphanet 905, MedGen C0019202, MONDO:0010200, OMIM 277900. Disease mechanism: loss of function.

Allele frequency attached by ClinVar (database versions not stated): gnomAD exomes below 0.00001.
gnomAD v4.1: 2 of 1,613,812 alleles (0.00012%); highest among the groups gnomAD compares: Non-Finnish European, 0.00017%; no homozygotes.

Submissions (2):

Labcorp Genetics (formerly Invitae), Labcorp
Classification: Likely pathogenic for Wilson disease. Last evaluated: 2024-02-29. Review status: criteria provided, single submitter. Criteria: Invitae Variant Classification Sherloc (09022015). Collection method: clinical testing. Allele origin: germline.
Comment: This sequence change affects an acceptor splice site in intron 8 of the ATP7B gene. It is expected to disrupt RNA splicing. Variants that disrupt the donor or acceptor splice site typically lead to a loss of protein function (PMID: 16199547), and loss-of-function variants in ATP7B are known to be pathogenic (PMID: 10441329, 16283883). This variant is not present in population databases (gnomAD no frequency). Disruption of this splice site has been observed in individual(s) with Wilson disease (PMID: 27022412). ClinVar contains an entry for this variant (Variation ID: 550995). Algorithms developed to predict the effect of sequence changes on RNA splicing suggest that this variant may disrupt the consensus splice site. In summary, the currently available evidence indicates that the variant is pathogenic, but additional data are needed to prove that conclusively. Therefore, this variant has been classified as Likely Pathogenic.

Counsyl
Classification: Likely pathogenic for Wilson disease. Last evaluated: 2017-03-14. Review status: no assertion criteria provided. Collection method: clinical testing. Allele origin: unknown. Not counted in ClinVar's aggregate classification.

Literature cited by the submitters: PubMed 16199547 (cited by Labcorp Genetics (formerly Invitae), Labcorp); PubMed 10441329 (cited by Labcorp Genetics (formerly Invitae), Labcorp); PubMed 16283883 (cited by Labcorp Genetics (formerly Invitae), Labcorp); PubMed 27022412 (cited by Labcorp Genetics (formerly Invitae), Labcorp and Counsyl).